The following is an entry in ClinVar:

NM_000552.5(VWF):c.4342C>T (p.Gln1448Ter)

Gene: VWF (von Willebrand factor; minus strand). Cytogenetic location: 12p13.31.
Variant type: single nucleotide variant.
Coding change: c.4342C>T on transcript NM_000552.5 (MANE Select); coding-DNA position 4342, C replaced by T.
Protein change: p.Gln1448Ter; replaces glutamine 1448 with a stop codon.
Molecular consequence: nonsense.
Genome position (GRCh38, 1-based): chr12:6,019,076, G>A on the plus strand (C>T on the coding strand, the complement: VWF is on the minus strand). VCF-style: chr12-6019076-G-A. GRCh37 (hg19) VCF-style: chr12-6128242-G-A.
Other names: short protein forms Q1448*.
Identifiers: ClinVar variation 2572655 (VCV002572655.1), dbSNP rs2497515136, ClinGen allele CA383502656.

ClinVar aggregate classification (germline): Likely pathogenic (1 of 4 stars; one submission).

Conditions:
von Willebrand disease type 1 (VWD1). Also called: VON WILLEBRAND DISEASE, TYPE I; VWD, TYPE 1. Identifiers: Orphanet 166078, Orphanet 903, MedGen C1264039, MONDO:0008668, OMIM 193400. Inheritance: autosomal recessive or autosomal dominant.

Submission:

ISTH-SSC Genomics in Thrombosis and Hemostasis, KU Leuven, Center for Molecular and Vascular Biology
Classification: Likely pathogenic for von Willebrand disease type 1. Review status: criteria provided, single submitter. Criteria: ACMG Guidelines, 2015. Collection method: clinical testing. Allele origin: germline. Affected: yes. Observed: 2 heterozygotes. Clinical features observed: bleeding.
Comment: Submitted to GoldVariant by Kathleen Freson, Center for Molecular and Vascular Biology, Leuven, Belgium